The following is an entry in ClinVar:

ClinVar aggregate classification (germline): Uncertain significance (1 of 4 stars; one submission).

Conditions:
Neuroblastoma, susceptibility to, 3. Also called: ALK-Related Neuroblastic Tumor Susceptibility. Identifiers: Orphanet 635, MedGen C2751681, MONDO:0013083, OMIM 613014.

gnomAD v4.1: 1 of 1,614,130 alleles (0.000062%); highest among the groups gnomAD compares: South Asian, 0.0011%; no homozygotes.

Submission:

Labcorp Genetics (formerly Invitae), Labcorp
Classification: Uncertain significance for Neuroblastoma, susceptibility to, 3. Last evaluated: 2023-07-08. Review status: criteria provided, single submitter. Criteria: Invitae Variant Classification Sherloc (09022015). Collection method: clinical testing. Allele origin: germline.
Comment: Algorithms developed to predict the effect of missense changes on protein structure and function output the following: SIFT: "Not Available"; PolyPhen-2: "Benign"; Align-GVGD: "Not Available". The proline amino acid residue is found in multiple mammalian species, which suggests that this missense change does not adversely affect protein function. In summary, the available evidence is currently insufficient to determine the role of this variant in disease. Therefore, it has been classified as a Variant of Uncertain Significance. This variant has not been reported in the literature in individuals affected with ALK-related conditions. This variant is present in population databases (rs764298799, gnomAD 0.003%). This sequence change replaces leucine, which is neutral and non-polar, with proline, which is neutral and non-polar, at codon 1533 of the ALK protein (p.Leu1533Pro).

NM_004304.5(ALK):c.4598T>C (p.Leu1533Pro)

Gene: ALK (ALK receptor tyrosine kinase; minus strand). Cytogenetic location: 2p23.2.
Variant type: single nucleotide variant.
Coding change: c.4598T>C on transcript NM_004304.5 (MANE Select); coding-DNA position 4598, T replaced by C.
Protein change: p.Leu1533Pro; replaces leucine 1533 with proline.
Molecular consequence: missense variant.
Genome position (GRCh38, 1-based): chr2:29,193,489, A>G on the plus strand (T>C on the coding strand, the complement: ALK is on the minus strand). VCF-style: chr2-29193489-A-G. GRCh37 (hg19) VCF-style: chr2-29416355-A-G.
Other names: c.1394T>C, p.Leu465Pro (NM_001353765.2); short protein forms L1533P, L465P.
Identifiers: ClinVar variation 2899862 (VCV002899862.3), dbSNP rs764298799, ClinGen allele CA1593532.
Genomic context (GRCh38, chr2:29,193,489, plus strand): 5'-GCCCCCGGAAGTCTCCCAGTTGCAACGTTAGGTGGGACAGTACAGCTTCCCTCCAGCCCC[A>G]GGTTACCCCTGTCGTGTGGCTCCTTCTTTGCTATAGGATTATTCTTTTTGGTGGGTTTCT-3'
Protein context (NP_004295.2, residues 1523-1543): AKKEPHDRGN[Leu1533Pro]GLEGSCTVPP